The following is an entry in ClinVar:

NM_001042492.3(NF1):c.8156C>T (p.Ser2719Leu)

Gene: NF1 (neurofibromin 1; plus strand). Cytogenetic location: 17q11.2.
Variant type: single nucleotide variant.
Coding change: c.8156C>T on transcript NM_001042492.3 (MANE Select); coding-DNA position 8156, C replaced by T.
Protein change: p.Ser2719Leu; replaces serine 2719 with leucine.
Molecular consequence: missense variant.
Genome position (GRCh38, 1-based): chr17:31,359,011, C>T. VCF-style: chr17-31359011-C-T. GRCh37 (hg19) VCF-style: chr17-29686029-C-T.
Other names: c.8093C>T, p.Ser2698Leu (NM_000267.4); short protein forms S2719L, S2698L.
Identifiers: ClinVar variation 1761964 (VCV001761964.7), dbSNP rs2151586081, ClinGen allele CA399204248.
Genomic context (GRCh38, chr17:31,359,011, plus strand): 5'-AAATTTGATTTGTTGCAGGTTTTGGTTTTAATGGCTTGTGGCGGTTTGCAGGACCGTTTT[C>T]AAAGGTAAGAAAATATATTTTTCTCTAACTTTTGGCAAAATGAAGGTTTCTGTTCAAATT-3'
Protein context (NP_001035957.1, residues 2709-2729): NGLWRFAGPF[Ser2719Leu]KQTQIPDYAE

ClinVar aggregate classification (germline): Uncertain significance. Review status: criteria provided, multiple submitters, no conflicts (2 of 4 stars). 2 submissions from 2 submitters: Uncertain significance (2). Last evaluated 2022-06-04.

Conditions:
Neurofibromatosis, type 1 (NF1). Also called: Peripheral type neurofibromatosis; VON RECKLINGHAUSEN DISEASE; NEUROFIBROMATOSIS, TYPE I, SOMATIC; Neurofibromatosis, type I. Identifiers: Orphanet 636, MedGen C0027831, MONDO:0018975, OMIM 162200. Disease mechanism: loss of function.
Cardiovascular phenotype. Identifiers: MedGen CN230736.
Hereditary cancer-predisposing syndrome. Also called: Neoplastic Syndromes, Hereditary; Tumor predisposition; Hereditary neoplastic syndrome; Hereditary Cancer Syndrome. Identifiers: Orphanet 140162, MedGen C0027672, MeSH D009386, MONDO:0015356.

Submissions (2):

Labcorp Genetics (formerly Invitae), Labcorp
Classification: Uncertain significance for Neurofibromatosis, type 1. Last evaluated: 2022-06-04. Review status: criteria provided, single submitter. Criteria: Invitae Variant Classification Sherloc (09022015). Collection method: clinical testing. Allele origin: germline.
Comment: In summary, the available evidence is currently insufficient to determine the role of this variant in disease. Therefore, it has been classified as a Variant of Uncertain Significance. Algorithms developed to predict the effect of missense changes on protein structure and function are either unavailable or do not agree on the potential impact of this missense change (SIFT: "Deleterious"; PolyPhen-2: "Probably Damaging"; Align-GVGD: "Class C0"). This variant has not been reported in the literature in individuals affected with NF1-related conditions. This variant is not present in population databases (gnomAD no frequency). This sequence change replaces serine, which is neutral and polar, with leucine, which is neutral and non-polar, at codon 2698 of the NF1 protein (p.Ser2698Leu).

Ambry Genetics
Classification: Uncertain significance for Cardiovascular phenotype; Hereditary cancer-predisposing syndrome. Last evaluated: 2020-02-11. Review status: criteria provided, single submitter. Criteria: Ambry Variant Classification Scheme 2023. Collection method: clinical testing. Allele origin: germline.
Comment: The p.S2698L variant (also known as c.8093C>T), located in coding exon 55 of the NF1 gene, results from a C to T substitution at nucleotide position 8093. The serine at codon 2698 is replaced by leucine, an amino acid with dissimilar properties. This amino acid position is highly conserved in available vertebrate species. In addition, the in silico prediction for this alteration is inconclusive. Since supporting evidence is limited at this time, the clinical significance of this alteration remains unclear.